The following is an entry in ClinVar:

NM_002878.4(RAD51D):c.263+1531C>G

Genes: RAD51D (RAD51 paralog D; minus strand), RAD51L3-RFFL (RAD51L3-RFFL readthrough; minus strand). Cytogenetic location: 17q12.
Variant type: single nucleotide variant.
Coding change: c.263+1531C>G on transcript NM_002878.4 (MANE Select); 1531 bases into the intron after coding-DNA position 263, C replaced by G.
Molecular consequence: intron variant. On other transcripts: missense variant (1).
Genome position (GRCh38, 1-based): chr17:35,116,970, G>C on the plus strand (C>G on the coding strand, the complement: RAD51D is on the minus strand). VCF-style: chr17-35116970-G-C. GRCh37 (hg19) VCF-style: chr17-33443989-G-C.
Other names: c.212C>G, p.Ser71Trp (NM_001142571.2); c.144+2141C>G (NM_133629.3); short protein forms S71W.
Identifiers: ClinVar variation 5027832 (VCV005027832.1).

ClinVar aggregate classification (germline): Uncertain significance (1 of 4 stars; one submission).

Conditions:
Hereditary cancer-predisposing syndrome. Also called: Neoplastic Syndromes, Hereditary; Tumor predisposition; Hereditary neoplastic syndrome; Hereditary Cancer Syndrome. Identifiers: Orphanet 140162, MedGen C0027672, MeSH D009386, MONDO:0015356.

gnomAD v4.1: 1 of 1,613,866 alleles (0.000062%); highest among the groups gnomAD compares: South Asian, 0.0011%; no homozygotes.

Submission:

Ambry Genetics
Classification: Uncertain significance for Hereditary cancer-predisposing syndrome. Last evaluated: 2026-07-06. Review status: criteria provided, single submitter. Criteria: Ambry Variant Classification Scheme 2023. Collection method: clinical testing. Allele origin: germline.
Comment: The p.S71W variant (also known as c.212C>G), located in coding exon 3 of the RAD51D gene, results from a C to G substitution at nucleotide position 212. The serine at codon 71 is replaced by tryptophan, an amino acid with highly dissimilar properties. This amino acid position is conserved. In addition, this alteration is predicted to be tolerated by in silico analysis. Based on the available evidence, the clinical significance of this variant remains unclear.